The following is an entry in ClinVar:

NM_001204.7(BMPR2):c.2124C>G (p.Tyr708Ter)

Gene: BMPR2 (bone morphogenetic protein receptor type 2; plus strand). Cytogenetic location: 2q33.2.
Variant type: single nucleotide variant.
Coding change: c.2124C>G on transcript NM_001204.7 (MANE Select); coding-DNA position 2124, C replaced by G.
Protein change: p.Tyr708Ter; replaces tyrosine 708 with a stop codon.
Molecular consequence: nonsense.
Genome position (GRCh38, 1-based): chr2:202,555,789, C>G. VCF-style: chr2-202555789-C-G. GRCh37 (hg19) VCF-style: chr2-203420512-C-G.
Other names: c.2124C>G, p.Y708* (LRG_712t1); short protein forms Y708*.
Identifiers: ClinVar variation 425974 (VCV000425974.2), dbSNP rs1085307374, ClinGen allele CA350347533.
Genomic context (GRCh38, chr2:202,555,789, plus strand): 5'-CTCTCTTAAACAGTTCAGTGGCCCAGACCCACTGAGCAGTACTAGTTCTAGCTTGCTTTA[C>G]CCACTCATAAAACTTGCAGTAGAAGCAACTGGACAGCAGGACTTCACACAGACTGCAAAT-3'

ClinVar aggregate classification (germline): Pathogenic. Review status: criteria provided, single submitter (1 of 4 stars). 2 submissions from 2 submitters: Pathogenic (1). 1 of the submissions does not count toward it. Last evaluated 2025-11-24.

Conditions:
Primary pulmonary hypertension. Also called: Idiopathic pulmonary hypertension. Identifiers: MedGen C0152171.
Pulmonary hypertension, primary, 1 (PPH1). Also called: Pulmonary hypertension, familial primary, 1, with or without HHT. Identifiers: Orphanet 422, MedGen C4552070, MONDO:0024533, OMIM 178600.

Submissions (2):

Labcorp Genetics (formerly Invitae), Labcorp
Classification: Pathogenic for Primary pulmonary hypertension. Last evaluated: 2025-11-24. Review status: criteria provided, single submitter. Criteria: Invitae Variant Classification Sherloc (09022015). Collection method: clinical testing. Allele origin: germline.
Comment: This sequence change creates a premature translational stop signal (p.Tyr708*) in the BMPR2 gene. It is expected to result in an absent or disrupted protein product. Loss-of-function variants in BMPR2 are known to be pathogenic (PMID: 16429395). This variant is not present in population databases (gnomAD no frequency). This premature translational stop signal has been observed in individual(s) with primary pulmonary hypertension (PMID: 15146475). ClinVar contains an entry for this variant (Variation ID: 425974). For these reasons, this variant has been classified as Pathogenic.

Rare Disease Genomics Group, St George's University of London
Classification: Pathogenic for Primary pulmonary hypertension. Review status: no assertion criteria provided. Collection method: literature only. Allele origin: germline. Affected: yes. Not counted in ClinVar's aggregate classification.

Literature cited by the submitters: PubMed 16429395 (cited by Labcorp Genetics (formerly Invitae), Labcorp); PubMed 15146475 (cited by Labcorp Genetics (formerly Invitae), Labcorp and Rare Disease Genomics Group, St George's University of London).